The following is an entry in ClinVar:

ClinVar aggregate classification (germline): Likely benign. Review status: criteria provided, multiple submitters, no conflicts (2 of 4 stars). 2 submissions from 2 submitters: Likely benign (2). Last evaluated 2023-07-13.

Allele frequency attached by ClinVar (database versions not stated): ExAC 0.00003; ESP Exome Variant Server 0.00008; gnomAD 0.00011.
gnomAD v4.1: 269 of 1,613,770 alleles (0.017%); highest among the groups gnomAD compares: Non-Finnish European, 0.02%; 1 homozygote.

Submissions (2):

Labcorp Genetics (formerly Invitae), Labcorp
Classification: Likely benign. Last evaluated: 2023-07-13. Review status: criteria provided, single submitter. Criteria: Invitae Variant Classification Sherloc (09022015). Collection method: clinical testing. Allele origin: germline.

CeGaT Center for Human Genetics Tuebingen
Classification: Likely benign. Last evaluated: 2022-07-01. Review status: criteria provided, single submitter. Criteria: CeGaT Center For Human Genetics Tuebingen Variant Classification Criteria Version 2. Collection method: clinical testing. Allele origin: germline. Affected: yes. Observed: 1 variant allele.
Comment: DOCK3: BP4, BP7

NM_004947.5(DOCK3):c.3549C>T (p.Arg1183=)

Gene: DOCK3 (dedicator of cytokinesis 3; plus strand). Cytogenetic location: 3p21.2.
Variant type: single nucleotide variant.
Coding change: c.3549C>T on transcript NM_004947.5 (MANE Select); coding-DNA position 3549, C replaced by T.
Protein change: p.Arg1183=; no amino-acid change (arginine 1183 retained).
Molecular consequence: synonymous variant.
Genome position (GRCh38, 1-based): chr3:51,333,191, C>T. VCF-style: chr3-51333191-C-T. GRCh37 (hg19) VCF-style: chr3-51370622-C-T.
Identifiers: ClinVar variation 2653867 (VCV002653867.26), dbSNP rs373794438, ClinGen allele CA2421511.